The following is an entry in ClinVar:

ClinVar aggregate classification (germline): Pathogenic (1 of 4 stars; one submission).

Submission:

Labcorp Genetics (formerly Invitae), Labcorp
Classification: Pathogenic. Last evaluated: 2022-07-11. Review status: criteria provided, single submitter. Criteria: Invitae Variant Classification Sherloc (09022015). Collection method: clinical testing. Allele origin: germline.
Comment: This variant has not been reported in the literature in individuals affected with TAB2-related conditions. This sequence change creates a premature translational stop signal (p.Ser413Trpfs*33) in the TAB2 gene. It is expected to result in an absent or disrupted protein product. Loss-of-function variants in TAB2 are known to be pathogenic (PMID: 28386937, 31250519). This variant is not present in population databases (gnomAD no frequency). For these reasons, this variant has been classified as Pathogenic.

Literature cited by the submitters: PubMed 28386937; PubMed 31250519.

NM_001292034.3(TAB2):c.1238_1239del (p.Ser413fs)

Genes: TAB2 (TGF-beta activated kinase 1 (MAP3K7) binding protein 2; plus strand), LOC126859827 (BRD4-independent group 4 enhancer GRCh37_chr6:149699707-149700906; plus strand). Cytogenetic location: 6q25.1.
Variant type: Microsatellite.
Coding change: c.1238_1239del on transcript NM_001292034.3 (MANE Select); coding-DNA positions 1238 to 1239, 2 bases deleted (CT; older notation c.1238_1239delCT).
Protein change: p.Ser413fs; shifts the reading frame from serine 413.
Molecular consequence: frameshift variant.
Genome position (GRCh38, 1-based): chr6:149,379,153-149,379,154, CT deleted; deleting any 2 consecutive bases within chr6:149,379,151-149,379,154 gives the same sequence; the c. name uses the placement nearest the transcript's 3' end. VCF-style (leftmost placement, unchanged base first): chr6-149379150-ACT-A. GRCh37 (hg19) VCF-style: chr6-149700286-ACT-A.
Other names: c.1142_1143del, p.Ser381fs (NM_001292035.3); c.1238_1239del, p.Ser413fs (NM_001369506.1, NM_015093.6); short protein forms S381fs, S413fs.
Identifiers: ClinVar variation 2069698 (VCV002069698.4), dbSNP rs2483395150, ClinGen allele CA2580615793.